The following is an entry in ClinVar:

ClinVar aggregate classification (germline): Pathogenic/Likely pathogenic. Review status: criteria provided, multiple submitters, no conflicts (2 of 4 stars). 2 submissions from 2 submitters: Pathogenic (1); Likely pathogenic (1). Last evaluated 2024-04-03.

Conditions:
Charlevoix-Saguenay spastic ataxia (SACS). Also called: AUTOSOMAL RECESSIVE SPASTIC ATAXIA OF CHARLEVOIX-SAGUENAY; SPASTIC ATAXIA 6, AUTOSOMAL RECESSIVE; Spastic ataxia of Charlevoix-Saguenay. Identifiers: Orphanet 98, MedGen C1849140, MONDO:0010041, OMIM 270550.
Spastic paraplegia. Identifiers: MedGen C0037772, HP:0001258.

Submissions (2):

Fulgent Genetics
Classification: Likely pathogenic for Charlevoix-Saguenay spastic ataxia. Last evaluated: 2024-04-03. Review status: criteria provided, single submitter. Criteria: ACMG Guidelines, 2015. Collection method: clinical testing. Allele origin: germline.

Labcorp Genetics (formerly Invitae), Labcorp
Classification: Pathogenic for Spastic paraplegia. Last evaluated: 2023-07-16. Review status: criteria provided, single submitter. Criteria: Invitae Variant Classification Sherloc (09022015). Collection method: clinical testing. Allele origin: germline.
Comment: For these reasons, this variant has been classified as Pathogenic. This variant has not been reported in the literature in individuals affected with SACS-related conditions. This variant is not present in population databases (gnomAD no frequency). This sequence change creates a premature translational stop signal (p.Tyr359Leufs*2) in the SACS gene. It is expected to result in an absent or disrupted protein product. Loss-of-function variants in SACS are known to be pathogenic (PMID: 18465152, 20876471).

Literature cited by the submitters: PubMed 18465152 (cited by Labcorp Genetics (formerly Invitae), Labcorp); PubMed 20876471 (cited by Labcorp Genetics (formerly Invitae), Labcorp).

NM_014363.6(SACS):c.1076_1077del (p.Tyr359fs)

Gene: SACS (sacsin molecular chaperone; minus strand). Cytogenetic location: 13q12.12.
Variant type: Deletion.
Coding change: c.1076_1077del on transcript NM_014363.6 (MANE Select); coding-DNA positions 1076 to 1077, 2 bases deleted (AT; older notation c.1076_1077delAT).
Protein change: p.Tyr359fs; shifts the reading frame from tyrosine 359.
Molecular consequence: frameshift variant.
Genome position (GRCh38, 1-based): chr13:23,355,535-23,355,536, AT deleted on the plus strand (AT on the coding strand, the reverse complement: SACS is on the minus strand); deleting any 2 consecutive bases within chr13:23,355,535-23,355,537 gives the same sequence; the c. name uses the placement nearest the transcript's 3' end. VCF-style (leftmost placement, unchanged base first): chr13-23355534-AAT-A. GRCh37 (hg19) VCF-style: chr13-23929673-AAT-A.
Other names: c.635_636del, p.Tyr212fs (NM_001278055.2); short protein forms Y212fs, Y359fs.
Identifiers: ClinVar variation 2743609 (VCV002743609.4), dbSNP rs2542400056, ClinGen allele CA2697551658.